The following is an entry in ClinVar:

NM_014008.5(CCDC22):c.1705C>G (p.Gln569Glu)

Gene: CCDC22 (CCC complex scaffolding subunit CCDC22; plus strand). Cytogenetic location: Xp11.23.
Variant type: single nucleotide variant.
Coding change: c.1705C>G on transcript NM_014008.5 (MANE Select); coding-DNA position 1705, C replaced by G.
Protein change: p.Gln569Glu; replaces glutamine 569 with glutamic acid.
Molecular consequence: missense variant.
Genome position (GRCh38, 1-based): chrX:49,249,660, C>G. VCF-style: chrX-49249660-C-G. GRCh37 (hg19) VCF-style: chrX-49106121-C-G.
Other names: c.1705C>G (NM_014008.3); short protein forms Q569E.
Identifiers: ClinVar variation 2636134 (VCV002636134.3), dbSNP rs1557115084, ClinGen allele CA412945684.
Genomic context (GRCh38, chrX:49,249,660, plus strand): 5'-GCTGGGGGTGGGTGGGACTGGGTGCAAGCCTTCTGCTCCTGTTGTCCCCAGAACTGCAGC[C>G]AGCTCATCCAGACCATCGAGGACACAGGCACCATCATGCGGGAGGTTCGAGACCTCGAGG-3'
Protein context (NP_054727.1, residues 559-579): YLAALHENCS[Gln569Glu]LIQTIEDTGT

ClinVar aggregate classification (germline): Uncertain significance. Review status: criteria provided, multiple submitters, no conflicts (2 of 4 stars). 3 submissions from 3 submitters: Uncertain significance (3). Last evaluated 2024-12-03.

Conditions:
CCDC22-related disorder. Also called: CCDC22-related condition.

Allele frequency attached by ClinVar (database versions not stated): gnomAD exomes below 0.00001; TOPMed 0.00001; gnomAD 0.00002.
gnomAD v4.1: 7 of 1,208,856 alleles (0.00058%); highest among the groups gnomAD compares: Non-Finnish European, 0.00078%; no homozygotes.

Submissions (3):

Ambry Genetics
Classification: Uncertain significance. Last evaluated: 2024-12-03. Review status: criteria provided, single submitter. Criteria: Ambry Variant Classification Scheme 2023. Collection method: clinical testing. Allele origin: germline.

GeneDx
Classification: Uncertain significance. Last evaluated: 2024-06-04. Review status: criteria provided, single submitter. Criteria: GeneDx Variant Classification Process June 2021. Collection method: clinical testing. Allele origin: germline. Affected: yes.
Comment: In silico analysis indicates that this missense variant does not alter protein structure/function; Has not been previously published as pathogenic or benign to our knowledge

PreventionGenetics, part of Exact Sciences
Classification: Uncertain significance for CCDC22-related condition. Last evaluated: 2023-04-10. Review status: criteria provided, single submitter. Criteria: ACMG Guidelines, 2015. Collection method: clinical testing. Allele origin: germline.
Comment: The CCDC22 c.1705C>G variant is predicted to result in the amino acid substitution p.Gln569Glu. To our knowledge, this variant has not been reported in the literature. This variant is reported in 0.0012% of alleles in individuals of European (Non-Finnish) descent in gnomAD. At this time, the clinical significance of this variant is uncertain due to the absence of conclusive functional and genetic evidence.